The following is an entry in ClinVar:

NM_004356.4(CD81):c.616G>A (p.Gly206Ser)

Gene: CD81 (CD81 molecule; plus strand). Cytogenetic location: 11p15.5.
Variant type: single nucleotide variant.
Coding change: c.616G>A on transcript NM_004356.4 (MANE Select); coding-DNA position 616, G replaced by A.
Protein change: p.Gly206Ser; replaces glycine 206 with serine.
Molecular consequence: missense variant.
Genome position (GRCh38, 1-based): chr11:2,396,682, G>A. VCF-style: chr11-2396682-G-A. GRCh37 (hg19) VCF-style: chr11-2417912-G-A.
Other names: c.403G>A, p.Gly135Ser (NM_001297649.2); short protein forms G135S, G206S.
Identifiers: ClinVar variation 1919887 (VCV001919887.5), dbSNP rs773284967, ClinGen allele CA5820123.
Genomic context (GRCh38, chr11:2,396,682, plus strand): 5'-CTGCAGGAGGACTGCCACCAGAAGATCGATGACCTCTTCTCCGGGAAGCTGTACCTCATC[G>A]GCATTGCTGCCATCGTGGTCGCTGTGATCATGGTGAGCGGGCGGGGGCGGAGGGCCTGCT-3'
Protein context (NP_004347.1, residues 196-216): DLFSGKLYLI[Gly206Ser]IAAIVVAVIM

ClinVar aggregate classification (germline): Uncertain significance (1 of 4 stars; one submission).

Allele frequency attached by ClinVar (database versions not stated): gnomAD 0.00001; TOPMed 0.00001; ExAC 0.00003; gnomAD exomes 0.00003.

Submission:

Labcorp Genetics (formerly Invitae), Labcorp
Classification: Uncertain significance. Last evaluated: 2025-10-18. Review status: criteria provided, single submitter. Criteria: Invitae Variant Classification Sherloc (09022015). Collection method: clinical testing. Allele origin: germline.
Comment: This sequence change replaces glycine, which is neutral and non-polar, with serine, which is neutral and polar, at codon 206 of the CD81 protein (p.Gly206Ser). This variant is present in population databases (rs773284967, gnomAD 0.007%). This variant has not been reported in the literature in individuals affected with CD81-related conditions. ClinVar contains an entry for this variant (Variation ID: 1919887). An algorithm developed to predict the effect of missense changes on protein structure and function (PolyPhen-2) suggests that this variant is likely to be disruptive. In summary, the available evidence is currently insufficient to determine the role of this variant in disease. Therefore, it has been classified as a Variant of Uncertain Significance.